The following is an entry in ClinVar:

ClinVar aggregate classification (germline): Conflicting classifications of pathogenicity. Review status: criteria provided, conflicting classifications (1 of 4 stars). 6 submissions from 6 submitters: Uncertain significance (1); Benign (2); Likely benign (2). 1 of the submissions does not count toward it. Last evaluated 2025-10-26.

Conditions:
SYNE1-related disorder. Also called: SYNE1-related disorders; SYNE1-related disease; SYNE1-related condition.
Inborn genetic diseases. Identifiers: MedGen C0950123, MeSH D030342.
Autosomal recessive ataxia, Beauce type. Also called: SYNE1 Deficiency; Spinocerebellar ataxia, autosomal recessive 8; SYNE1-Related Autosomal Recessive Cerebellar Ataxia; ATAXIA, RECESSIVE, OF BEAUCE. Identifiers: Orphanet 88644, MedGen C1853116, MONDO:0012549, OMIM 610743.
Emery-Dreifuss muscular dystrophy 4, autosomal dominant (EDMD4). Also called: EMERY-DREIFUSS MUSCULAR DYSTROPHY 4 WITH VARIABLE FEATURES. Identifiers: Orphanet 261, MedGen C2751807, MONDO:0013071, OMIM 612998.

Allele frequency attached by ClinVar (database versions not stated): gnomAD exomes 0.00011 and 0.00033; ExAC 0.00044; gnomAD 0.00125 and 0.00134; TOPMed 0.00145; 1000 Genomes Project 0.00160; 1000 Genomes Project 30x 0.00172; ESP Exome Variant Server 0.00200.
gnomAD v4.1: 361 of 1,613,886 alleles (0.022%); highest among the groups gnomAD compares: African/African-American, 0.44%; 2 homozygotes.

Submissions (6):

Labcorp Genetics (formerly Invitae), Labcorp
Classification: Likely benign for Emery-Dreifuss muscular dystrophy 4, autosomal dominant; Autosomal recessive ataxia, Beauce type. Last evaluated: 2025-10-26. Review status: criteria provided, single submitter. Criteria: Invitae Variant Classification Sherloc (09022015). Collection method: clinical testing. Allele origin: germline.

GeneDx
Classification: Likely benign. Last evaluated: 2025-02-21. Review status: criteria provided, single submitter. Criteria: GeneDx Variant Classification Process June 2021. Collection method: clinical testing. Allele origin: germline. Affected: yes.
Comment: See Variant Classification Assertion Criteria.

Athena Diagnostics
Classification: Benign. Last evaluated: 2024-09-17. Review status: criteria provided, single submitter. Criteria: Athena Diagnostics Criteria. Collection method: clinical testing. Allele origin: unknown.

Ambry Genetics
Classification: Uncertain significance for Inborn genetic diseases. Last evaluated: 2021-09-17. Review status: criteria provided, single submitter. Criteria: Ambry Variant Classification Scheme 2023. Collection method: clinical testing. Allele origin: germline.

Eurofins Ntd Llc (ga)
Classification: Benign. Last evaluated: 2015-11-11. Review status: criteria provided, single submitter. Criteria: EGL Classification Definitions 2015. Collection method: clinical testing. Allele origin: germline. Observed: 2 variant alleles, 2 heterozygotes.

PreventionGenetics, part of Exact Sciences
Classification: Likely benign for SYNE1-related condition. Last evaluated: 2019-11-14. Review status: no assertion criteria provided. Collection method: clinical testing. Allele origin: germline. Not counted in ClinVar's aggregate classification.
Comment: This variant is classified as likely benign based on ACMG/AMP sequence variant interpretation guidelines (Richards et al. 2015 PMID: 25741868, with internal and published modifications).

NM_182961.4(SYNE1):c.23480C>G (p.Ala7827Gly)

Gene: SYNE1 (spectrin repeat containing nuclear envelope protein 1; minus strand). Cytogenetic location: 6q25.2.
Variant type: single nucleotide variant.
Coding change: c.23480C>G on transcript NM_182961.4 (MANE Select); coding-DNA position 23480, C replaced by G.
Protein change: p.Ala7827Gly; replaces alanine 7827 with glycine.
Molecular consequence: missense variant.
Genome position (GRCh38, 1-based): chr6:152,176,541, G>C on the plus strand (C>G on the coding strand, the complement: SYNE1 is on the minus strand). VCF-style: chr6-152176541-G-C. GRCh37 (hg19) VCF-style: chr6-152497676-G-C.
Other names: c.86C>G, p.Ala29Gly (NM_001347701.2); c.23267C>G, p.Ala7756Gly (NM_033071.5); short protein forms A7756G, A7827G, A29G.
Identifiers: ClinVar variation 194148 (VCV000194148.21), dbSNP rs141315921, ClinGen allele CA239987.